The following is an entry in ClinVar:

ClinVar aggregate classification (germline): Uncertain significance (1 of 4 stars; one submission).

Conditions:
Left ventricular noncompaction 1 (LVNC1). Also called: LEFT VENTRICULAR NONCOMPACTION 1 WITH OR WITHOUT CONGENITAL HEART DEFECTS. Identifiers: Orphanet 54260, MedGen C1858725, MONDO:0011403, OMIM 604169.

Allele frequency attached by ClinVar (database versions not stated): gnomAD exomes 0.00001 and 0.00004; ExAC 0.00005; ESP Exome Variant Server 0.00015; TOPMed 0.00016; gnomAD 0.00022 and 0.00025.
gnomAD v4.1: 58 of 1,613,542 alleles (0.0036%); highest among the groups gnomAD compares: African/African-American, 0.068%; no homozygotes.

Submission:

Labcorp Genetics (formerly Invitae), Labcorp
Classification: Uncertain significance for Left ventricular noncompaction 1. Last evaluated: 2025-09-28. Review status: criteria provided, single submitter. Criteria: Invitae Variant Classification Sherloc (09022015). Collection method: clinical testing. Allele origin: germline.
Comment: This sequence change replaces asparagine, which is neutral and polar, with aspartic acid, which is acidic and polar, at codon 397 of the DTNA protein (p.Asn397Asp). This variant is present in population databases (rs150679265, gnomAD 0.04%). This variant has not been reported in the literature in individuals affected with DTNA-related conditions. ClinVar contains an entry for this variant (Variation ID: 1046431). An algorithm developed to predict the effect of missense changes on protein structure and function outputs the following: PolyPhen-2: "Benign". The aspartic acid amino acid residue is found in multiple mammalian species, which suggests that this missense change does not adversely affect protein function. In summary, the available evidence is currently insufficient to determine the role of this variant in disease. Therefore, it has been classified as a Variant of Uncertain Significance.

NM_001386795.1(DTNA):c.1270A>G (p.Asn424Asp)

Gene: DTNA (dystrobrevin alpha; plus strand). Cytogenetic location: 18q12.1.
Variant type: single nucleotide variant.
Coding change: c.1270A>G on transcript NM_001386795.1 (MANE Select); coding-DNA position 1270, A replaced by G.
Protein change: p.Asn424Asp; replaces asparagine 424 with aspartic acid.
Molecular consequence: missense variant. On other transcripts: intron variant (33).
Genome position (GRCh38, 1-based): chr18:34,838,761, A>G. VCF-style: chr18-34838761-A-G. GRCh37 (hg19) VCF-style: chr18-32418725-A-G.
Other names: c.316A>G, p.Asn106Asp (NM_001198942.1); c.1270A>G, p.Asn424Asp (NM_001386788.1); c.1189A>G, p.Asn397Asp (NM_001390.5, NM_001391.5); c.1180A>G, p.Asn394Asp (NM_032978.7); c.1095-9535A>G (NM_032975.4, NM_001386761.1, NM_001386762.1 and 1 more transcripts); c.1175+9272A>G (NM_001386754.1, NM_001386755.1, NM_001386760.1 and 5 more transcripts); c.1086-9535A>G (NM_001386763.1, NM_001386764.1, NM_001386768.1 and 13 more transcripts); c.604-13070A>G (NM_001198945.2); and 4 more; short protein forms N106D, N394D, N397D, N424D.
Identifiers: ClinVar variation 1046431 (VCV001046431.5), dbSNP rs150679265, ClinGen allele CA8935661.